The following is an entry in ClinVar:

NM_001127222.2(CACNA1A):c.865C>T (p.Pro289Ser)

Gene: CACNA1A (calcium voltage-gated channel subunit alpha1 A; minus strand). Cytogenetic location: 19p13.13.
Variant type: single nucleotide variant.
Coding change: c.865C>T on transcript NM_001127222.2 (MANE Select); coding-DNA position 865, C replaced by T.
Protein change: p.Pro289Ser; replaces proline 289 with serine.
Molecular consequence: missense variant.
Genome position (GRCh38, 1-based): chr19:13,359,719, G>A on the plus strand (C>T on the coding strand, the complement: CACNA1A is on the minus strand). VCF-style: chr19-13359719-G-A. GRCh37 (hg19) VCF-style: chr19-13470533-G-A.
Other names: c.865C>T, p.Pro289Ser (NM_000068.4, NM_001127221.2, NM_001174080.2 and 1 more transcripts); short protein forms P289S.
Identifiers: ClinVar variation 2497985 (VCV002497985.3), dbSNP rs2059068455, ClinGen allele CA404347255.
Genomic context (GRCh38, chr19:13,359,719, plus strand): 5'-GCACTGCAAACAGGATGTTGTCGAACTGAGTGATCCCGTTGTTGGGCCCTTCCCAGTAGG[G>A]CTGACATTTGGTCCCATTGGGGCAGGTGCGGGCGGGCTCTTCTGTCCCACATGGAGCCGG-3'
Protein context (NP_001120694.1, residues 279-299): RTCPNGTKCQ[Pro289Ser]YWEGPNNGIT

ClinVar aggregate classification (germline): Uncertain significance. Review status: criteria provided, multiple submitters, no conflicts (2 of 4 stars). 2 submissions from 2 submitters: Uncertain significance (2). Last evaluated 2024-07-09.

Conditions:
Developmental and epileptic encephalopathy, 42 (DEE42A). Also called: EPILEPTIC ENCEPHALOPATHY, EARLY INFANTILE, 42A; DEVELOPMENTAL AND EPILEPTIC ENCEPHALOPATHY 42A; Epileptic encephalopathy, early infantile, 42. Identifiers: MedGen C4310716, MONDO:0014917, OMIM 617106.
Episodic ataxia type 2 (EA2). Also called: ATAXIA, EPISODIC, WITH NYSTAGMUS; ATAXIA, FAMILIAL PAROXYSMAL; CEREBELLAR ATAXIA, PAROXYSMAL, ACETAZOLAMIDE-RESPONSIVE; CEREBELLOPATHY, HEREDITARY PAROXYSMAL; EPISODIC ATAXIA, NYSTAGMUS-ASSOCIATED; ACETAZOLAMIDE-RESPONSIVE HEREDITARY PAROXYSMAL CEREBELLAR ATAXIA. Identifiers: Orphanet 97, MedGen C1720416, MONDO:0007163, OMIM 108500.

Allele frequency attached by ClinVar (database versions not stated): gnomAD exomes below 0.00001; TOPMed below 0.00001.
gnomAD v4.1: 1 of 1,586,270 alleles (0.000063%); highest among the groups gnomAD compares: Non-Finnish European, 0.000086%; no homozygotes.

Submissions (2):

Labcorp Genetics (formerly Invitae), Labcorp
Classification: Uncertain significance for Developmental and epileptic encephalopathy, 42; Episodic ataxia type 2. Last evaluated: 2024-07-09. Review status: criteria provided, single submitter. Criteria: Invitae Variant Classification Sherloc (09022015). Collection method: clinical testing. Allele origin: germline.
Comment: This sequence change replaces proline, which is neutral and non-polar, with serine, which is neutral and polar, at codon 289 of the CACNA1A protein (p.Pro289Ser). This variant is not present in population databases (gnomAD no frequency). This variant has not been reported in the literature in individuals affected with CACNA1A-related conditions. ClinVar contains an entry for this variant (Variation ID: 2497985). Advanced modeling of protein sequence and biophysical properties (such as structural, functional, and spatial information, amino acid conservation, physicochemical variation, residue mobility, and thermodynamic stability) performed at Invitae indicates that this missense variant is not expected to disrupt CACNA1A protein function with a negative predictive value of 95%. In summary, the available evidence is currently insufficient to determine the role of this variant in disease. Therefore, it has been classified as a Variant of Uncertain Significance.

GeneDx
Classification: Uncertain significance. Last evaluated: 2022-10-07. Review status: criteria provided, single submitter. Criteria: GeneDx Variant Classification Process June 2021. Collection method: clinical testing. Allele origin: germline. Affected: yes.
Comment: Not observed at significant frequency in large population cohorts (gnomAD); In silico analysis supports that this missense variant does not alter protein structure/function; Has not been previously published as pathogenic or benign to our knowledge